The following is an entry in ClinVar:

ClinVar aggregate classification (germline): Pathogenic (1 of 4 stars; one submission).

Submission:

Labcorp Genetics (formerly Invitae), Labcorp
Classification: Pathogenic. Last evaluated: 2023-01-08. Review status: criteria provided, single submitter. Criteria: Invitae Variant Classification Sherloc (09022015). Collection method: clinical testing. Allele origin: unknown.
Comment: For these reasons, this variant has been classified as Pathogenic. This variant has not been reported in the literature in individuals affected with ADAM9-related conditions. This variant is a gross deletion of the genomic region encompassing exon(s) 14-15 of the ADAM9 gene. This deletion is out-of-frame, and is expected to create a premature termination codon and result in an absent or disrupted protein product. Loss-of-function variants in ADAM9 are known to be pathogenic (PMID: 19409519).

Literature cited by the submitters: PubMed 19409519.

NC_000008.10:g.(?_38913076)_(38928942_?)del

Gene: ADAM9 (ADAM metallopeptidase domain 9; plus strand). Cytogenetic location: 8p11.22.
Variant type: Deletion.
Identifiers: ClinVar variation 3245572 (VCV003245572.1).